The following is an entry in ClinVar:

ClinVar aggregate classification (germline): Uncertain significance (1 of 4 stars; one submission).

Submission:

GeneDx
Classification: Uncertain significance. Last evaluated: 2019-04-12. Review status: criteria provided, single submitter. Criteria: GeneDx Variant Classification Process June 2021. Collection method: clinical testing. Allele origin: germline. Affected: yes.
Comment: Not observed in large population cohorts (Lek et al., 2016); In silico analysis, which includes protein predictors and evolutionary conservation, supports that this variant does not alter protein structure/function

NM_025243.4(SLC19A3):c.355G>T (p.Ala119Ser)

Gene: SLC19A3 (solute carrier family 19 member 3; minus strand). Cytogenetic location: 2q36.3.
Variant type: single nucleotide variant.
Coding change: c.355G>T on transcript NM_025243.4 (MANE Select); coding-DNA position 355, G replaced by T.
Protein change: p.Ala119Ser; replaces alanine 119 with serine.
Molecular consequence: missense variant.
Genome position (GRCh38, 1-based): chr2:227,699,360, C>A on the plus strand (G>T on the coding strand, the complement: SLC19A3 is on the minus strand). VCF-style: chr2-227699360-C-A. GRCh37 (hg19) VCF-style: chr2-228564076-C-A.
Other names: c.355G>T, p.Ala119Ser (NM_001371411.1, NM_001371412.1); c.343G>T, p.Ala115Ser (NM_001371413.1, NM_001371414.1); short protein forms A115S, A119S.
Identifiers: ClinVar variation 1302649 (VCV001302649.2), dbSNP rs367620430, ClinGen allele CA350877393.